The following is an entry in ClinVar:

NM_001329943.3(KIAA0586):c.4496-14T>G

Gene: KIAA0586 (KIAA0586; plus strand). Cytogenetic location: 14q23.1.
Variant type: single nucleotide variant.
Coding change: c.4496-14T>G on transcript NM_001329943.3 (MANE Select); 14 bases into the intron before coding-DNA position 4496, T replaced by G.
Molecular consequence: intron variant.
Genome position (GRCh38, 1-based): chr14:58,547,767, T>G. VCF-style: chr14-58547767-T-G. GRCh37 (hg19) VCF-style: chr14-59014485-T-G.
Other names: c.4740-14T>G (NM_001244189.2); c.4451-14T>G (NM_001244190.2); c.4364-14T>G (NM_001244192.2, NM_001329947.2); c.4241-14T>G (NM_001244191.2, NM_001364701.2); c.4581-14T>G (NM_001329944.2); c.4430-14T>G (NM_001329946.2); c.4268-14T>G (NM_014749.5); c.4175-14T>G (NM_001329945.2).
Identifiers: ClinVar variation 5005334 (VCV005005334.2).

ClinVar aggregate classification (germline): Uncertain significance (1 of 4 stars; one submission).

Conditions:
Short-rib thoracic dysplasia 14 with polydactyly (SRTD14). Identifiers: Orphanet 397715, MedGen C4225286, MONDO:0014688, OMIM 616546.
Joubert syndrome 23 (JBTS23). Identifiers: Orphanet 475, MedGen C4084822, MONDO:0014664, OMIM 616490.

gnomAD v4.1: 8 of 1,611,856 alleles (0.0005%); highest among the groups gnomAD compares: East Asian, 0.016%; no homozygotes.

Submission:

Juno Genomics, Hangzhou Juno Genomics, Inc
Classification: Uncertain significance for Joubert syndrome 23; Short-rib thoracic dysplasia 14 with polydactyly. Review status: criteria provided, single submitter. Criteria: ACMG Guidelines, 2015. Collection method: clinical testing. Allele origin: germline.
Comment: Absent from controls (or at extremely low frequency if recessive) in Genome Aggregation Database.;Multiple lines of computational evidence support a deleterious effect on the gene or gene product.